The following is an entry in ClinVar:

NM_001145358.2(SIN3A):c.3805G>A (p.Val1269Ile)

Gene: SIN3A (SIN3 transcription regulator family member A; minus strand). Cytogenetic location: 15q24.2.
Variant type: single nucleotide variant.
Coding change: c.3805G>A on transcript NM_001145358.2 (MANE Select); coding-DNA position 3805, G replaced by A.
Protein change: p.Val1269Ile; replaces valine 1269 with isoleucine.
Molecular consequence: missense variant.
Genome position (GRCh38, 1-based): chr15:75,371,996, C>T on the plus strand (G>A on the coding strand, the complement: SIN3A is on the minus strand). VCF-style: chr15-75371996-C-T. GRCh37 (hg19) VCF-style: chr15-75664337-C-T.
Other names: c.3805G>A, p.Val1269Ile (NM_001145357.2, NM_015477.3); short protein forms V1269I.
Identifiers: ClinVar variation 2764683 (VCV002764683.3), dbSNP rs2542981566, ClinGen allele CA393482652.

ClinVar aggregate classification (germline): Uncertain significance (1 of 4 stars; one submission).

Submission:

Labcorp Genetics (formerly Invitae), Labcorp
Classification: Uncertain significance. Last evaluated: 2023-06-03. Review status: criteria provided, single submitter. Criteria: Invitae Variant Classification Sherloc (09022015). Collection method: clinical testing. Allele origin: germline.
Comment: In summary, the available evidence is currently insufficient to determine the role of this variant in disease. Therefore, it has been classified as a Variant of Uncertain Significance. Algorithms developed to predict the effect of missense changes on protein structure and function output the following: SIFT: "Not Available"; PolyPhen-2: "Benign"; Align-GVGD: "Not Available". The isoleucine amino acid residue is found in multiple mammalian species, which suggests that this missense change does not adversely affect protein function. This variant has not been reported in the literature in individuals affected with SIN3A-related conditions. This variant is not present in population databases (gnomAD no frequency). This sequence change replaces valine, which is neutral and non-polar, with isoleucine, which is neutral and non-polar, at codon 1269 of the SIN3A protein (p.Val1269Ile).